The following is an entry in ClinVar:

ClinVar aggregate classification (germline): Uncertain significance (1 of 4 stars; one submission).

Conditions:
Developmental and epileptic encephalopathy, 12 (DEE12). Identifiers: MedGen C3150988, MONDO:0013389, OMIM 613722.

Allele frequency attached by ClinVar (database versions not stated): gnomAD 0.00001; gnomAD exomes 0.00001 and 0.00002; TOPMed 0.00001.
gnomAD v4.1: 24 of 1,555,490 alleles (0.0015%); highest among the groups gnomAD compares: Non-Finnish European, 0.002%; no homozygotes.

Submission:

Labcorp Genetics (formerly Invitae), Labcorp
Classification: Uncertain significance for Developmental and epileptic encephalopathy, 12. Last evaluated: 2022-09-29. Review status: criteria provided, single submitter. Criteria: Invitae Variant Classification Sherloc (09022015). Collection method: clinical testing. Allele origin: germline.
Comment: This sequence change replaces arginine, which is basic and polar, with histidine, which is basic and polar, at codon 458 of the PNKP protein (p.Arg458His). The frequency data for this variant in the population databases is considered unreliable, as metrics indicate poor data quality at this position in the gnomAD database. This variant has not been reported in the literature in individuals affected with PNKP-related conditions. ClinVar contains an entry for this variant (Variation ID: 843797). Advanced modeling of protein sequence and biophysical properties (such as structural, functional, and spatial information, amino acid conservation, physicochemical variation, residue mobility, and thermodynamic stability) performed at Invitae indicates that this missense variant is not expected to disrupt PNKP protein function. In summary, the available evidence is currently insufficient to determine the role of this variant in disease. Therefore, it has been classified as a Variant of Uncertain Significance.

NM_007254.4(PNKP):c.1373G>A (p.Arg458His)

Gene: PNKP (polynucleotide kinase 3'-phosphatase; minus strand). Cytogenetic location: 19q13.33.
Variant type: single nucleotide variant.
Coding change: c.1373G>A on transcript NM_007254.4 (MANE Select); coding-DNA position 1373, G replaced by A.
Protein change: p.Arg458His; replaces arginine 458 with histidine.
Molecular consequence: missense variant.
Genome position (GRCh38, 1-based): chr19:49,861,621, C>T on the plus strand (G>A on the coding strand, the complement: PNKP is on the minus strand). VCF-style: chr19-49861621-C-T. GRCh37 (hg19) VCF-style: chr19-50364878-C-T.
Other names: short protein forms R458H.
Identifiers: ClinVar variation 843797 (VCV000843797.7), dbSNP rs1187812495, ClinGen allele CA406933015.